The following is an entry in ClinVar:

NM_000454.5(SOD1):c.37G>C (p.Gly13Arg)

Genes: SOD1 (superoxide dismutase 1; plus strand), SOD1-DT (SOD1 divergent transcript; minus strand). Cytogenetic location: 21q22.11.
Variant type: single nucleotide variant.
Coding change: c.37G>C on transcript NM_000454.5 (MANE Select); coding-DNA position 37, G replaced by C.
Protein change: p.Gly13Arg; replaces glycine 13 with arginine.
Molecular consequence: missense variant.
Genome position (GRCh38, 1-based): chr21:31,659,806, G>C. VCF-style: chr21-31659806-G-C. GRCh37 (hg19) VCF-style: chr21-33032119-G-C.
Other names: G12R; short protein forms G13R.
Identifiers: ClinVar variation 14780 (VCV000014780.10), dbSNP rs121912456, ClinGen allele CA257360.

ClinVar aggregate classification (germline): Likely pathogenic. Review status: criteria provided, multiple submitters, no conflicts (2 of 4 stars). 3 submissions from 3 submitters: Likely pathogenic (2). 1 of the submissions does not count toward it. Last evaluated 2025-04-17.

Conditions:
Amyotrophic lateral sclerosis type 1 (ALS1). Also called: AMYOTROPHIC LATERAL SCLEROSIS 1, FAMILIAL. Identifiers: Orphanet 803, MedGen C1862939, MONDO:0007103, OMIM 105400.

Submissions (3):

Human Genome Lab, NIMHANS, National Institute of Mental Health and Neuro Sciences
Classification: Likely pathogenic for Amyotrophic lateral sclerosis type 1. Last evaluated: 2025-04-17. Review status: criteria provided, single submitter. Criteria: ACMG Guidelines, 2015. Collection method: clinical testing. Allele origin: germline. Inheritance: Autosomal dominant inheritance. Affected: yes. Observed: 1 heterozygote.
Comment: The SOD1 gene encodes superoxide dismutase-1, a cytoplasmic antioxidant enzyme that metabolizes superoxide radicals to molecular oxygen and hydrogen peroxide, thus providing a defense against oxygen toxicity.The genomic variant c.37G>C p.Gly13Arg rs121912456 on the SOD1 gene is a missense mutation that results in the substitution of glycine with arginine at the 13th amino acid position of the SOD1 protein. This variant has been associated with amyotrophic lateral sclerosis (ALS), a neurodegenerative disorder characterized by the progressive loss of motor neurons, leading to muscle weakness, atrophy, and respiratory failure.The variant is not found in gnomad 4.1 joint database. The reference nucleotide is conserved across vertebrates. The variant is predicted to be damaging in multiple tools such as CADD 1.7, SIFT, PolyPHen2, M-CAP etc.

Labcorp Genetics (formerly Invitae), Labcorp
Classification: Likely pathogenic for Amyotrophic lateral sclerosis type 1. Last evaluated: 2020-12-15. Review status: criteria provided, single submitter. Criteria: Invitae Variant Classification Sherloc (09022015). Collection method: clinical testing. Allele origin: germline.
Comment: In summary, the currently available evidence indicates that the variant is pathogenic, but additional data are needed to prove that conclusively. Therefore, this variant has been classified as Likely Pathogenic. Advanced modeling of protein sequence and biophysical properties (such as structural, functional, and spatial information, amino acid conservation, physicochemical variation, residue mobility, and thermodynamic stability) performed at Invitae indicates that this missense variant is expected to disrupt SOD1 protein function. This variant has been observed in individual(s) with amyotrophic lateral sclerosis (PMID: 28035186, 11369193, 14506936). ClinVar contains an entry for this variant (Variation ID: 14780). This variant is also known as p.Gly12Arg. This variant is not present in population databases (ExAC no frequency). This sequence change replaces glycine with arginine at codon 13 of the SOD1 protein (p.Gly13Arg). The glycine residue is moderately conserved and there is a moderate physicochemical difference between glycine and arginine.

OMIM
Classification: Pathogenic for AMYOTROPHIC LATERAL SCLEROSIS 1. Last evaluated: 2001-05-01. Review status: no assertion criteria provided. Collection method: literature only. Allele origin: germline. Not counted in ClinVar's aggregate classification.

Literature cited by the submitters: PubMed 28035186 (cited by Labcorp Genetics (formerly Invitae), Labcorp); PubMed 11369193 (cited by Labcorp Genetics (formerly Invitae), Labcorp and OMIM); PubMed 14506936 (cited by Labcorp Genetics (formerly Invitae), Labcorp); PubMed 10430435 (cited by OMIM).